The following is an entry in ClinVar:

NM_003872.3(NRP2):c.2425+9440del

Gene: NRP2 (neuropilin 2; plus strand). Cytogenetic location: 2q33.3.
Variant type: Deletion.
Coding change: c.2425+9440del on transcript NM_003872.3 (MANE Select); 9440 bases into the intron after coding-DNA position 2425, one base deleted (C; older notation c.2425+9440delC).
Molecular consequence: intron variant.
Genome position (GRCh38, 1-based): chr2:205,776,243, C deleted; the last of 2 consecutive C bases (chr2:205,776,242-205,776,243); deleting either gives the same sequence. VCF-style (leftmost placement, unchanged base first): chr2-205776241-AC-A. GRCh37 (hg19) VCF-style: chr2-206640965-AC-A.
Other names: c.2440+9425del (NM_201266.2); c.2425+9440del (NM_201279.2); c.2441-3del (NM_018534.4); c.2426-3del (NM_201267.2).
Identifiers: ClinVar variation 3356705 (VCV003356705.1).
Genomic context (GRCh38, chr2:205,776,241, plus strand): 5'-AATTAGTCTTTTGATTAGTCTGCATGCTCTCAGCCTAGCAACACTCTTCTGTGTCTCTCC[AC>A]CAGGGGGCACCCTCCTGCCAGGGACCGAGCCCACAGTGGACACGGTGCCCATGCAGCCCA-3'

ClinVar aggregate classification (germline): Likely benign (0 of 4 stars; one submission).

Conditions:
NRP2-related disorder. Also called: NRP2-related condition.

Submission:

PreventionGenetics, part of Exact Sciences
Classification: Likely benign for NRP2-related condition. Last evaluated: 2023-04-20. Review status: no assertion criteria provided. Collection method: clinical testing. Allele origin: germline.
Comment: This variant is classified as likely benign based on ACMG/AMP sequence variant interpretation guidelines (Richards et al. 2015 PMID: 25741868, with internal and published modifications).